The following is an entry in ClinVar:

NM_015329.4(MAU2):c.964_966del (p.Lys322del)

Genes: MAU2 (MAU2 sister chromatid cohesion factor; plus strand), LOC130064058 (ATAC-STARR-seq lymphoblastoid silent region 10438; plus strand). Cytogenetic location: 19p13.11.
Variant type: Deletion.
Coding change: c.964_966del on transcript NM_015329.4 (MANE Select); coding-DNA positions 964 to 966, 3 bases deleted (AAG; older notation c.964_966delAAG).
Protein change: p.Lys322del; deletes lysine 322.
Molecular consequence: inframe deletion.
Genome position (GRCh38, 1-based): chr19:19,342,857-19,342,859, AAG deleted; deleting any 3 consecutive bases within chr19:19,342,855-19,342,859 gives the same sequence; the c. name uses the placement nearest the transcript's 3' end. VCF-style (leftmost placement, unchanged base first): chr19-19342854-GAGA-G. GRCh37 (hg19) VCF-style: chr19-19453663-GAGA-G.
Other names: short protein forms K322del.
Identifiers: ClinVar variation 4291141 (VCV004291141.1).

ClinVar aggregate classification (germline): Likely pathogenic (1 of 4 stars; one submission).

Conditions:
MAU2-related chromatinopathy.

Submission:

Institute for Human Genetics, University Hospital Essen
Classification: Likely pathogenic for MAU2-related chromatinopathy. Last evaluated: 2025-10-16. Review status: criteria provided, single submitter. Criteria: ACMG Guidelines, 2015. Collection method: research. Allele origin: de novo. Affected: yes. Observed: 1 variant allele.
Comment: PS2, PS3_moderate, PM4, PM2_sup